The following is an entry in ClinVar:

NM_001267550.2(TTN):c.38809del (p.Glu12937fs)

Gene: TTN (titin; minus strand). Cytogenetic location: 2q31.2.
Variant type: Deletion.
Coding change: c.38809del on transcript NM_001267550.2 (MANE Select); coding-DNA position 38809, one base deleted (G; older notation c.38809delG).
Protein change: p.Glu12937fs; shifts the reading frame from glutamic acid 12937.
Molecular consequence: frameshift variant. On other transcripts: intron variant (5).
Genome position (GRCh38, 1-based): chr2:178,653,107, C deleted on the plus strand (G on the coding strand, the reverse complement: TTN is on the minus strand). VCF-style (leftmost placement, unchanged base first): chr2-178653106-TC-T. GRCh37 (hg19) VCF-style: chr2-179517833-TC-T.
Other names: c.13283-10790del (NM_003319.4); c.13859-10790del (NM_133437.4); c.13658-10790del (NM_133432.3); c.31742-566del (NM_133378.4); c.34523-566del (NM_001256850.1); short protein forms E12937fs.
Identifiers: ClinVar variation 3377028 (VCV003377028.3).
Genomic context (GRCh38, chr2:178,653,106, plus strand): 5'-ACAGGTGGGACTTCAGGTTTTTTAGGAGGAGTCACTGGCACTTTCTTTTCAGGAACAACT[TC>T]TTTGGGAGCCTCTGGCACTTAAAAGATATTAGGTAAAATTACATTTAGGGGTTATGAAGA-3'

ClinVar aggregate classification (germline): Pathogenic (1 of 4 stars; one submission).

Conditions:
Autosomal recessive titinopathy. Identifiers: MedGen CN315649, MONDO:0100493.

Submission:

Victorian Clinical Genetics Services, Murdoch Childrens Research Institute
Classification: Pathogenic for Autosomal recessive titinopathy. Last evaluated: 2026-06-11. Review status: criteria provided, single submitter. Criteria: ACMG Guidelines, 2015. Collection method: clinical testing. Allele origin: germline. Affected: no.
Comment: This variant is classified as Pathogenic. Evidence in support of pathogenic classification: Variant is predicted to cause nonsense-mediated decay (NMD) and loss of protein (premature termination codon is located at least 54 nucleotides upstream of the final exon-exon junction); Variant is absent from gnomAD (both v2 and v3); Other NMD-predicted variants comparable to the one identified in this case have very strong previous evidence for pathogenicity. At least ten other NMD-predicted variants in exons that are only coding in the meta-transcript have been reported as compound heterozygous or homozygous in over ten families with TTN-related congenital onset myopathy (ClinVar, PMID: 32778822, 29575618). Additional information: This variant is non-coding in an alternative transcript. This variant is only coding in the meta-transcript (NM_001267550.1), and not in the cardiac (NM_003319.4) or skeletal muscle (NM_133378.4) transcripts. However recent literature has shown an association between variants only coding in the meta-transcript and autosomal recessive congenital titinopathy (PMID: 32778822); This variant is heterozygous; This gene is associated with both recessive and dominant disease. (OMIM); This variant has no previous evidence of pathogenicity; No published segregation evidence has been identified for this variant; No published functional evidence has been identified for this variant; Loss of function is a known mechanism of disease in this gene. In addition, dominant-negative is also a suggested mechanism. (PMID: 25589632); The condition associated with this gene has incomplete penetrance. Variants in this gene that result in a premature termination codon (PTC) are known to have reduced penetrance in DCM (PMID: 25589632).

Literature cited by the submitters: PubMed 32778822; PubMed 29575618; PubMed 25589632.